The following is an entry in ClinVar:

ClinVar aggregate classification (germline): Likely benign (1 of 4 stars; one submission).

Conditions:
Hereditary breast ovarian cancer syndrome. Also called: Breast and ovarian cancer; Hereditary breast and/or ovarian cancer syndrome; BRCA1- and BRCA2-Associated Hereditary Breast and Ovarian Cancer; Hereditary breast and ovarian cancer syndrome; Hereditary breast and ovarian cancer syndrome (HBOC); Hereditary breast and ovarian cancer. Identifiers: Orphanet 145, MedGen C0677776, MeSH D061325, MONDO:0003582. Disease mechanism: loss of function.

Submissions (2):

Labcorp Genetics (formerly Invitae), Labcorp
Classification: Likely benign for Hereditary breast ovarian cancer syndrome. Last evaluated: 2017-12-20. Review status: criteria provided, single submitter. Criteria: Invitae Variant Classification Sherloc (09022015). Collection method: clinical testing. Allele origin: germline.

Brotman Baty Institute, University of Washington
No classification provided (evidence only). Condition: Breast-ovarian cancer, familial 1. Review status: no classification provided. Collection method: in vitro. Allele origin: not applicable. Functional consequence: functionally_normal. Not counted in ClinVar's aggregate classification.
ClinVar note: "not provided" was previously submitted as the classification for the variant. However, the classification appeared to be based only on an observation of functional data so it was converted to no classification on 2025-07-30.

NM_007294.4(BRCA1):c.5278-16T>C

Gene: BRCA1 (BRCA1 DNA repair associated; minus strand). Cytogenetic location: 17q21.31.
Variant type: single nucleotide variant.
Coding change: c.5278-16T>C on transcript NM_007294.4 (MANE Select); 16 bases into the intron before coding-DNA position 5278, T replaced by C.
Molecular consequence: intron variant.
Genome position (GRCh38, 1-based): chr17:43,051,133, A>G on the plus strand (T>C on the coding strand, the complement: BRCA1 is on the minus strand). VCF-style: chr17-43051133-A-G. GRCh37 (hg19) VCF-style: chr17-41203150-A-G.
Other names: c.5131-16T>C (NM_001407848.1, NM_001407839.1, NM_001407842.1 and 12 more transcripts); c.5134-16T>C (NM_001407745.1, NM_001407737.1, NM_001407746.1 and 21 more transcripts); c.5014-16T>C (NM_001407922.1, NM_001407925.1, NM_001407921.1 and 4 more transcripts); c.1822-16T>C (NM_001408469.1, NM_001408468.1, NM_001408470.1); c.1828-16T>C (NM_001408453.1, NM_001408455.1, NM_001408452.1 and 3 more transcripts); c.5137-16T>C (NM_001407728.1, NM_007297.4, NM_001407731.1 and 13 more transcripts); c.1825-16T>C (NM_001408461.1, NM_001408464.1, NM_001408467.1 and 7 more transcripts); c.5068-16T>C (NM_001407886.1, NM_001407881.1, NM_001407887.1 and 5 more transcripts); and 74 more.
Identifiers: ClinVar variation 531544 (VCV000531544.12), dbSNP rs1555575747, ClinGen allele CA658798057.